The following is an entry in ClinVar:

NM_052989.3(IFT122):c.1709T>G (p.Phe570Cys)

Gene: IFT122 (intraflagellar transport 122; plus strand). Cytogenetic location: 3q21.3.
Variant type: single nucleotide variant.
Coding change: c.1709T>G on transcript NM_052989.3 (MANE Select); coding-DNA position 1709, T replaced by G.
Protein change: p.Phe570Cys; replaces phenylalanine 570 with cysteine.
Molecular consequence: missense variant.
Genome position (GRCh38, 1-based): chr3:129,483,540, T>G. VCF-style: chr3-129483540-T-G. GRCh37 (hg19) VCF-style: chr3-129202383-T-G.
Other names: c.1685T>G, p.Phe562Cys (NM_001280541.2); c.1259T>G, p.Phe420Cys (NM_001280545.2); c.1082T>G, p.Phe361Cys (NM_001280546.2); c.1709T>G, p.Phe570Cys (NM_001410808.1, NM_001410809.1); c.1532T>G, p.Phe511Cys (NM_001410810.1, NM_001410811.1, NM_001410813.1 and 1 more transcripts); c.1376T>G, p.Phe459Cys (NM_001410815.1, NM_001410817.1, NM_001438041.1 and 1 more transcripts); c.1553T>G, p.Phe518Cys (NM_001438637.1, NM_001438638.1, NM_001438639.1 and 1 more transcripts); c.1862T>G, p.Phe621Cys (NM_052985.4); short protein forms F459C, F511C, F518C, F562C, F570C, F621C, F361C, F420C.
Identifiers: ClinVar variation 4807010 (VCV004807010.1).
Genomic context (GRCh38, chr3:129,483,540, plus strand): 5'-CCCAGGAACCAAACGCCAACAGTGTAGCTTGGAACACCCAGTGTGAGGACATGCTCTGCT[T>G]CTCGGGAGGAGGCTACCTCAACATCAAAGCCAGCACCTTCCCTGTGCACCGGCAGAAGCT-3'
Protein context (NP_443715.1, residues 560-580): WNTQCEDMLC[Phe570Cys]SGGGYLNIKA

ClinVar aggregate classification (germline): Uncertain significance (1 of 4 stars; one submission).

Conditions:
Cranioectodermal dysplasia 1 (CED1). Also called: LEVIN SYNDROME I. Identifiers: Orphanet 1515, MedGen C0432235, MONDO:0021093, OMIM 218330.

gnomAD v4.1: 1 of 1,614,034 alleles (0.000062%); highest among the groups gnomAD compares: Non-Finnish European, 0.000085%; no homozygotes.

Submission:

Labcorp Genetics (formerly Invitae), Labcorp
Classification: Uncertain significance for Cranioectodermal dysplasia 1. Last evaluated: 2026-01-02. Review status: criteria provided, single submitter. Criteria: Invitae Variant Classification Sherloc (09022015). Collection method: clinical testing. Allele origin: germline.
Comment: This sequence change replaces phenylalanine, which is neutral and non-polar, with cysteine, which is neutral and slightly polar, at codon 621 of the IFT122 protein (p.Phe621Cys). This variant is not present in population databases (gnomAD no frequency). This missense change has been observed in individual(s) with clinical features of short-rib thoracic dysplasia (PMID: 26792575). In at least one individual the data is consistent with being in trans (on the opposite chromosome) from a pathogenic variant. Invitae Evidence Modeling of protein sequence and biophysical properties (such as structural, functional, and spatial information, amino acid conservation, physicochemical variation, residue mobility, and thermodynamic stability) indicates that this missense variant is expected to disrupt IFT122 protein function with a positive predictive value of 80%. In summary, the available evidence is currently insufficient to determine the role of this variant in disease. Therefore, it has been classified as a Variant of Uncertain Significance.

Literature cited by the submitters: PubMed 26792575.